The following is an entry in ClinVar:

NM_000098.3(CPT2):c.1767_1777delinsT (p.Ser590fs)

Gene: CPT2 (carnitine palmitoyltransferase 2; plus strand). Cytogenetic location: 1p32.3.
Variant type: Indel.
Coding change: c.1767_1777delinsT on transcript NM_000098.3 (MANE Select); coding-DNA positions 1767 to 1777, GAGCACACTGA replaced by T.
Protein change: p.Ser590fs; shifts the reading frame from serine 590.
Molecular consequence: frameshift variant.
Genome position (GRCh38, 1-based): chr1:53,213,385-53,213,395, GAGCACACTGA replaced by T. VCF-style: chr1-53213385-GAGCACACTGA-T. GRCh37 (hg19) VCF-style: chr1-53679057-GAGCACACTGA-T.
Other names: c.1698_1708delinsT, p.Ser567fs (NM_001330589.2); short protein forms S567fs, S590fs.
Identifiers: ClinVar variation 529858 (VCV000529858.7), dbSNP rs1553169975, ClinGen allele CA658795468.

ClinVar aggregate classification (germline): Pathogenic/Likely pathogenic. Review status: criteria provided, multiple submitters, no conflicts (2 of 4 stars). 2 submissions from 2 submitters: Pathogenic (1); Likely pathogenic (1). Last evaluated 2025-08-17.

Conditions:
Carnitine palmitoyltransferase II deficiency. Also called: Carnitine Palmitoyltransferase 2 Deficiency. Identifiers: Orphanet 157, MedGen C0342790, MONDO:0015515.

Submissions (2):

Natera, Inc.
Classification: Likely pathogenic for Carnitine palmitoyltransferase II deficiency. Last evaluated: 2025-08-17. Review status: criteria provided, single submitter. Criteria: Natera Variant Classification Schema (03/2026). Collection method: clinical testing. Allele origin: germline.
Comment: The c.1767_1777delinsT variant in CPT2 is a frameshift variant predicted to shift the reading frame beginning at codon 590 and leads to a stop codon 5 codons downstream. This variant is expected to result in nonsense mediated decay, truncation, or a dysfunctional protein product. This variant is rare in the general population with a frequency below the threshold expected for the associated phenotype(s). Given the available evidence, this variant is classified as Likely Pathogenic.

Labcorp Genetics (formerly Invitae), Labcorp
Classification: Pathogenic for Carnitine palmitoyltransferase II deficiency. Last evaluated: 2025-04-13. Review status: criteria provided, single submitter. Criteria: Invitae Variant Classification Sherloc (09022015). Collection method: clinical testing. Allele origin: germline.
Comment: This sequence change creates a premature translational stop signal (p.Ser590Alafs*5) in the CPT2 gene. While this is not anticipated to result in nonsense mediated decay, it is expected to disrupt the last 69 amino acid(s) of the CPT2 protein. Information on the frequency of this variant in the gnomAD database is not available, as this variant may be reported differently in the database. This variant has not been reported in the literature in individuals affected with CPT2-related conditions. This variant disrupts a region of the CPT2 protein in which other variant(s) (p.Glu645Argfs*5) have been determined to be pathogenic (PMID: 17936304, 21913903). This suggests that this is a clinically significant region of the protein, and that variants that disrupt it are likely to be disease-causing. For these reasons, this variant has been classified as Pathogenic.

Literature cited by the submitters: PubMed 17936304 (cited by Labcorp Genetics (formerly Invitae), Labcorp); PubMed 21913903 (cited by Labcorp Genetics (formerly Invitae), Labcorp).